The following is an entry in ClinVar:

ClinVar aggregate classification (germline): Uncertain significance (1 of 4 stars; one submission).

Conditions:
Cataract 33. Also called: CATARACT 33, CORTICAL. Identifiers: Orphanet 91492, MedGen C3808107, MONDO:0012665, OMIM 611391.

Allele frequency attached by ClinVar (database versions not stated): gnomAD 0.00001; gnomAD exomes 0.00002; TOPMed 0.00002; ExAC 0.00003.
gnomAD v4.1: 35 of 1,600,270 alleles (0.0022%); highest among the groups gnomAD compares: South Asian, 0.018%; 1 homozygote.

Submission:

Labcorp Genetics (formerly Invitae), Labcorp
Classification: Uncertain significance for Cataract 33. Last evaluated: 2023-12-25. Review status: criteria provided, single submitter. Criteria: Invitae Variant Classification Sherloc (09022015). Collection method: clinical testing. Allele origin: germline.
Comment: This sequence change replaces alanine, which is neutral and non-polar, with threonine, which is neutral and polar, at codon 220 of the BFSP1 protein (p.Ala220Thr). The frequency data for this variant in the population databases is considered unreliable, as metrics indicate poor data quality at this position in the gnomAD database. This variant has not been reported in the literature in individuals affected with BFSP1-related conditions. Advanced modeling of protein sequence and biophysical properties (such as structural, functional, and spatial information, amino acid conservation, physicochemical variation, residue mobility, and thermodynamic stability) performed at Invitae indicates that this missense variant is not expected to disrupt BFSP1 protein function with a negative predictive value of 80%. In summary, the available evidence is currently insufficient to determine the role of this variant in disease. Therefore, it has been classified as a Variant of Uncertain Significance.

NM_001195.5(BFSP1):c.658G>A (p.Ala220Thr)

Gene: BFSP1 (beaded filament structural protein 1; minus strand). Cytogenetic location: 20p12.1.
Variant type: single nucleotide variant.
Coding change: c.658G>A on transcript NM_001195.5 (MANE Select); coding-DNA position 658, G replaced by A.
Protein change: p.Ala220Thr; replaces alanine 220 with threonine.
Molecular consequence: missense variant. On other transcripts: intron variant (1).
Genome position (GRCh38, 1-based): chr20:17,508,966, C>T on the plus strand (G>A on the coding strand, the complement: BFSP1 is on the minus strand). VCF-style: chr20-17508966-C-T. GRCh37 (hg19) VCF-style: chr20-17489611-C-T.
Other names: c.283G>A, p.Ala95Thr (NM_001161705.2); c.241G>A, p.Ala81Thr (NM_001278606.2, NM_001278608.2); c.325G>A, p.Ala109Thr (NM_001278607.2); c.627+3010G>A (NM_001424338.1); short protein forms A81T, A109T, A220T, A95T.
Identifiers: ClinVar variation 2913521 (VCV002913521.3), dbSNP rs763291516, ClinGen allele CA9772252.